The following is an entry in ClinVar:

ClinVar aggregate classification (germline): Pathogenic/Likely pathogenic. Review status: criteria provided, multiple submitters, no conflicts (2 of 4 stars). 9 submissions from 9 submitters: Pathogenic (8); Likely pathogenic (1). Last evaluated 2026-01-20.

Conditions:
CASR-related disorder. Also called: CASR-related condition.
Familial hypocalciuric hypercalcemia 1. Also called: Hypercalcemia, familial benign type 1. Identifiers: Orphanet 405, Orphanet 93372, MedGen C0342637, MONDO:0007791, OMIM 145980.
Neonatal severe primary hyperparathyroidism. Identifiers: Orphanet 417, MedGen C1832615, MONDO:0009397, OMIM 239200.
Autosomal dominant hypocalcemia 1 (HYPOC1). Also called: HYPOCALCEMIA, FAMILIAL. Identifiers: MedGen C3715128, MONDO:0011013, OMIM 601198.
Familial hypocalciuric hypercalcemia (FHH). Also called: Familial benign hypercalcemia. Identifiers: Orphanet 405, MedGen C1809471, MONDO:0018458.
Epilepsy, idiopathic generalized, susceptibility to, 8. Identifiers: MedGen C2752062, MONDO:0013032, OMIM 612899.

Submissions (9):

Labcorp Genetics (formerly Invitae), Labcorp
Classification: Pathogenic for Familial hypocalciuric hypercalcemia; Autosomal dominant hypocalcemia 1. Last evaluated: 2026-01-20. Review status: criteria provided, single submitter. Criteria: Invitae Variant Classification Sherloc (09022015). Collection method: clinical testing. Allele origin: germline.
Comment: This sequence change replaces arginine, which is basic and polar, with tryptophan, which is neutral and slightly polar, at codon 220 of the CASR protein (p.Arg220Trp). The frequency data for this variant in the population databases is considered unreliable, as metrics indicate poor data quality at this position in the gnomAD database. This missense change has been observed in individual(s) with familial hypocalciuric hypercalcemia (PMID: 10885494, 11763315, 11889203, 17974727, 22142470, 22192860, 22422767). It has also been observed to segregate with disease in related individuals. Invitae Evidence Modeling of clinical and family history, age, sex, and reported ancestry of multiple individuals with this CASR variant has been performed. This variant is expected to be pathogenic with a positive predictive value of at least 99%. This is a validated machine learning model that incorporates the clinical features of 646,172 individuals referred to our laboratory for CASR testing. ClinVar contains an entry for this variant (Variation ID: 431804). An algorithm developed specifically for the CASR gene suggests that this missense change is likely to be deleterious (PMID: 19102677). Experimental studies have shown that this missense change affects CASR function (PMID: 1889203, 11763315). For these reasons, this variant has been classified as Pathogenic.

Center for Genomic Medicine, Rigshospitalet, Copenhagen University Hospital
Classification: Pathogenic. Last evaluated: 2025-03-04. Review status: criteria provided, single submitter. Criteria: ACMG Guidelines, 2015. Collection method: clinical testing. Allele origin: germline.

Women's Health and Genetics/Laboratory Corporation of America, LabCorp
Classification: Pathogenic for Familial hypocalciuric hypercalcemia. Last evaluated: 2025-01-29. Review status: criteria provided, single submitter. Criteria: LabCorp Variant Classification Summary - May 2015. Collection method: clinical testing. Allele origin: germline.
Comment: Variant summary: CASR c.658C>T (p.Arg220Trp) results in a non-conservative amino acid change in the encoded protein sequence. Five of five in-silico tools predict a damaging effect of the variant on protein function. The variant allele was found at a frequency of 4e-06 in 250820 control chromosomes (gnomAD). c.658C>T has been reported in the literature in multiple individuals affected with familial hypocalciuric hypercalcemia where it segregated with the disease in at least two families (example: Hannan_2012, Scharz_2000, D'Souza-Li_2002). These data indicate that the variant is very likely to be associated with disease. In vitro functional studies suggest that the variant affect CASR function (D'Souza-Li_2002). The following publications have been ascertained in the context of this evaluation (PMID: 22422767, 10885494, 11889203). ClinVar contains an entry for this variant (Variation ID: 431804). Based on the evidence outlined above, the variant was classified as pathogenic.

Institute of Human Genetics, Clinical Exome/Genome Diagnostics Group, University Hospital Bonn
Classification: Likely pathogenic for Familial hypocalciuric hypercalcemia 1. Last evaluated: 2024-11-22. Review status: criteria provided, single submitter. Criteria: ACMG Guidelines, 2015. Collection method: clinical testing. Allele origin: inherited. Inheritance: Autosomal dominant inheritance. Affected: yes. Observed: 1 heterozygote.
Comment: PS4, PM2_supp, PP2, PP3

Blueprint Genetics
Classification: Pathogenic for CASR-related disorders. Last evaluated: 2024-02-01. Review status: criteria provided, single submitter. Criteria: ACMG Guidelines, 2015. Collection method: clinical testing. Allele origin: germline. Affected: yes. Observed: 4 variant alleles.

Fulgent Genetics
Classification: Pathogenic for Familial hypocalciuric hypercalcemia 1; Neonatal severe primary hyperparathyroidism; Autosomal dominant hypocalcemia 1; Epilepsy, idiopathic generalized, susceptibility to, 8. Last evaluated: 2021-10-29. Review status: criteria provided, single submitter. Criteria: ACMG Guidelines, 2015. Collection method: clinical testing. Allele origin: unknown.

MGZ Medical Genetics Center
Classification: Pathogenic for Neonatal severe primary hyperparathyroidism. Last evaluated: 2021-09-07. Review status: criteria provided, single submitter. Criteria: ACMG Guidelines, 2015. Collection method: clinical testing. Allele origin: germline. Affected: yes. Observed: 1 variant allele.
Comment: ACMG criteria applied: PS3, PS4, PM5, PM2_SUP, PP3

GeneDx
Classification: Pathogenic. Last evaluated: 2018-06-15. Review status: criteria provided, single submitter. Criteria: GeneDx Variant Classification (06012015). Collection method: clinical testing. Allele origin: germline. Affected: yes.
Comment: The R220W missense change in the CASR gene has previously been reported in association with familial hypocalciuric hypercalcemia (FHH) (for examples, see D'Souza-Li et al., 2002; Fox et al., 2007; Festen-Spanjer et al., 2008; Rasmussen et al., 2011). Functional studies have suggested that Arginine at codon 220 is important for ligand-receptor interactions (D'Souza-Li et al., 2002). This variant is not observed in large population cohorts (Lek et al., 2016; 1000 Genomes Consortium et al., 2015; Exome Variant Server). The R220Wvariant is a non-conservative amino acid substitution, which is likely to impact secondary protein structure as these residues differ in polarity, charge, size and/or other properties. This substitution occurs at a position that is conserved across species, and is located within the extracellular bilobed venus flytrap domain (Hannan et al., 2012). Missense variants at the same residue (R220P, R220Q) have been reported in the Human Gene Mutation Database in association with hypocalciuric hypercalcaemia, supporting the functional importance of this region of the protein (Pearce et al., 1996; Hannan et al., 2012). Based on the currently available evidence, we consider R220W to be pathogenic.

Athena Diagnostics
Classification: Pathogenic. Last evaluated: 2017-08-18. Review status: criteria provided, single submitter. Criteria: Athena Diagnostics Criteria. Collection method: clinical testing. Allele origin: germline.

Literature cited by the submitters: PubMed 10885494 (cited by 3 submitters); PubMed 11763315 (cited by Labcorp Genetics (formerly Invitae), Labcorp and Athena Diagnostics); PubMed 11889203 (cited by 3 submitters); PubMed 17974727 (cited by Labcorp Genetics (formerly Invitae), Labcorp and Athena Diagnostics); PubMed 22142470 (cited by Labcorp Genetics (formerly Invitae), Labcorp and Athena Diagnostics); PubMed 22192860 (cited by Labcorp Genetics (formerly Invitae), Labcorp and Athena Diagnostics); PubMed 22422767 (cited by 3 submitters); PubMed 19102677 (cited by Labcorp Genetics (formerly Invitae), Labcorp); PubMed 1889203 (cited by Labcorp Genetics (formerly Invitae), Labcorp); PubMed 18830196 (cited by Athena Diagnostics); PubMed 11807402 (cited by Athena Diagnostics); PubMed 17803689 (cited by Athena Diagnostics); PubMed 19179454 (cited by Athena Diagnostics).

NM_000388.4(CASR):c.658C>T (p.Arg220Trp)

Gene: CASR (calcium sensing receptor; plus strand). Cytogenetic location: 3q21.1.
Variant type: single nucleotide variant.
Coding change: c.658C>T on transcript NM_000388.4 (MANE Select); coding-DNA position 658, C replaced by T.
Protein change: p.Arg220Trp; replaces arginine 220 with tryptophan.
Molecular consequence: missense variant.
Genome position (GRCh38, 1-based): chr3:122,261,693, C>T. VCF-style: chr3-122261693-C-T. GRCh37 (hg19) VCF-style: chr3-121980540-C-T.
Other names: c.658C>T, p.Arg220Trp (NM_001178065.2); short protein forms R220W.
Identifiers: ClinVar variation 431804 (VCV000431804.23), dbSNP rs1482119762, ClinGen allele CA354151065.
Genomic context (GRCh38, chr3:122,261,693, plus strand): 5'-ATCATCGAGTATTTCCGCTGGAACTGGGTGGGCACAATTGCAGCTGATGACGACTATGGG[C>T]GGCCGGGGATTGAGAAATTCCGAGAGGAAGCTGAGGAAAGGGATATCTGCATCGACTTCA-3'
Protein context (NP_000379.3, residues 210-230): GTIAADDDYG[Arg220Trp]PGIEKFREEA